The following is an entry in ClinVar:

ClinVar aggregate classification (germline): Pathogenic (1 of 4 stars; one submission).

Submission:

Labcorp Genetics (formerly Invitae), Labcorp
Classification: Pathogenic. Last evaluated: 2023-12-30. Review status: criteria provided, single submitter. Criteria: Invitae Variant Classification Sherloc (09022015). Collection method: clinical testing. Allele origin: germline.
Comment: This sequence change creates a premature translational stop signal (p.Ser1307Glnfs*220) in the ZNF469 gene. While this is not anticipated to result in nonsense mediated decay, it is expected to disrupt the last 2619 amino acid(s) of the ZNF469 protein. This variant is not present in population databases (gnomAD no frequency). This variant has not been reported in the literature in individuals affected with ZNF469-related conditions. This variant disrupts a region of the ZNF469 protein in which other variant(s) (p.Pro3556Glnfs*136) have been determined to be pathogenic (PMID: 32671420). This suggests that this is a clinically significant region of the protein, and that variants that disrupt it are likely to be disease-causing. For these reasons, this variant has been classified as Pathogenic.

Literature cited by the submitters: PubMed 32671420.

NM_001367624.2(ZNF469):c.4002del (p.Ser1335fs)

Gene: ZNF469 (zinc finger protein 469; plus strand). Cytogenetic location: 16q24.2.
Variant type: Deletion.
Coding change: c.4002del on transcript NM_001367624.2 (MANE Select); coding-DNA position 4002, one base deleted (C; older notation c.4002delC).
Protein change: p.Ser1335fs; shifts the reading frame from serine 1335.
Molecular consequence: frameshift variant.
Genome position (GRCh38, 1-based): chr16:88,431,472, C deleted; the last of 4 consecutive C bases (chr16:88,431,469-88,431,472); deleting any one gives the same sequence. VCF-style (leftmost placement, unchanged base first): chr16-88431468-AC-A. GRCh37 (hg19) VCF-style: chr16-88497876-AC-A.
Other names: short protein forms S1335fs.
Identifiers: ClinVar variation 2706496 (VCV002706496.3), dbSNP rs2507585886, ClinGen allele CA2697556004.